The following is an entry in ClinVar:

NM_000095.3(COMP):c.1384G>A (p.Asp462Asn)

Gene: COMP (cartilage oligomeric matrix protein; minus strand). Cytogenetic location: 19p13.11.
Variant type: single nucleotide variant.
Coding change: c.1384G>A on transcript NM_000095.3 (MANE Select); coding-DNA position 1384, G replaced by A.
Protein change: p.Asp462Asn; replaces aspartic acid 462 with asparagine.
Molecular consequence: missense variant.
Genome position (GRCh38, 1-based): chr19:18,786,070, C>T on the plus strand (G>A on the coding strand, the complement: COMP is on the minus strand). VCF-style: chr19-18786070-C-T. GRCh37 (hg19) VCF-style: chr19-18896880-C-T.
Other names: short protein forms D462N.
Identifiers: ClinVar variation 2961658 (VCV002961658.3), dbSNP rs375476152, ClinGen allele CA306255349.

ClinVar aggregate classification (germline): Uncertain significance (1 of 4 stars; one submission).

Allele frequency attached by ClinVar (database versions not stated): TOPMed below 0.00001; gnomAD 0.00001.
gnomAD v4.1: 3 of 1,613,920 alleles (0.00019%); highest among the groups gnomAD compares: African/African-American, 0.0013%; no homozygotes.

Submission:

Labcorp Genetics (formerly Invitae), Labcorp
Classification: Uncertain significance. Last evaluated: 2024-01-18. Review status: criteria provided, single submitter. Criteria: Invitae Variant Classification Sherloc (09022015). Collection method: clinical testing. Allele origin: germline.
Comment: This sequence change replaces aspartic acid, which is acidic and polar, with asparagine, which is neutral and polar, at codon 462 of the COMP protein (p.Asp462Asn). This variant is present in population databases (rs375476152, gnomAD no frequency). This variant has not been reported in the literature in individuals affected with COMP-related conditions. Advanced modeling of protein sequence and biophysical properties (such as structural, functional, and spatial information, amino acid conservation, physicochemical variation, residue mobility, and thermodynamic stability) performed at Invitae indicates that this missense variant is expected to disrupt COMP protein function with a positive predictive value of 80%. In summary, the available evidence is currently insufficient to determine the role of this variant in disease. Therefore, it has been classified as a Variant of Uncertain Significance.